The following is an entry in ClinVar:

NM_006393.3(NEBL):c.2346+19A>G

Gene: NEBL (nebulette; minus strand). Cytogenetic location: 10p12.31.
Variant type: single nucleotide variant.
Coding change: c.2346+19A>G on transcript NM_006393.3 (MANE Select); 19 bases into the intron after coding-DNA position 2346, A replaced by G.
Molecular consequence: intron variant.
Genome position (GRCh38, 1-based): chr10:20,813,920, T>C on the plus strand (A>G on the coding strand, the complement: NEBL is on the minus strand). VCF-style: chr10-20813920-T-C. GRCh37 (hg19) VCF-style: chr10-21102849-T-C.
Other names: c.358-980A>G (NM_213569.2, NM_001173484.2, NM_001377322.1); c.301-980A>G (NM_001377324.1); c.292-980A>G (NM_001377325.1); c.310-980A>G (NM_001377323.1); c.250-980A>G (NM_001377326.1, NM_001377327.1, NM_001377328.1).
Identifiers: ClinVar variation 378266 (VCV000378266.6), dbSNP rs376097780, ClinGen allele CA16605630.
Genomic context (GRCh38, chr10:20,813,920, plus strand): 5'-AATAGTGAAGTAATGCCATCCGTGCACTGGATCCGCCCATTCCTTAGCATGTTTTAAGAA[T>C]GATCTGGTTGGACCCTACCATTGAAATATGATTTTGTGCTTCTTTAACATGTCTCATAGC-3'

ClinVar aggregate classification (germline): Likely benign. Review status: criteria provided, multiple submitters, no conflicts (2 of 4 stars). 2 submissions from 2 submitters: Likely benign (2). Last evaluated 2023-08-25.

Conditions:
Primary dilated cardiomyopathy (DCM). Also called: Dilated Cardiomyopathy. Identifiers: Orphanet 217604, MedGen C0007193, MeSH D002311, MONDO:0005021, HP:0001644. Inheritance: Various modes of inheritance.

Allele frequency attached by ClinVar (database versions not stated): gnomAD exomes 0.00001; TOPMed 0.00003; gnomAD 0.00005; ESP Exome Variant Server 0.00008.
gnomAD v4.1: 12 of 1,462,980 alleles (0.00082%); highest among the groups gnomAD compares: African/African-American, 0.0084%; no homozygotes.

Submissions (2):

Labcorp Genetics (formerly Invitae), Labcorp
Classification: Likely benign for Primary dilated cardiomyopathy. Last evaluated: 2023-08-25. Review status: criteria provided, single submitter. Criteria: Invitae Variant Classification Sherloc (09022015). Collection method: clinical testing. Allele origin: germline.

GeneDx
Classification: Likely benign. Last evaluated: 2015-12-01. Review status: criteria provided, single submitter. Criteria: GeneDx Variant Classification (06012015). Collection method: clinical testing. Allele origin: germline. Affected: yes.
Comment: This variant is considered likely benign or benign based on one or more of the following criteria: it is a conservative change, it occurs at a poorly conserved position in the protein, it is predicted to be benign by multiple in silico algorithms, and/or has population frequency not consistent with disease.